The following is an entry in ClinVar:

NM_177438.3(DICER1):c.3388G>A (p.Glu1130Lys)

Gene: DICER1 (dicer 1, ribonuclease III; minus strand). Cytogenetic location: 14q32.13.
Variant type: single nucleotide variant.
Coding change: c.3388G>A on transcript NM_177438.3 (MANE Select); coding-DNA position 3388, G replaced by A.
Protein change: p.Glu1130Lys; replaces glutamic acid 1130 with lysine.
Molecular consequence: missense variant.
Genome position (GRCh38, 1-based): chr14:95,104,008, C>T on the plus strand (G>A on the coding strand, the complement: DICER1 is on the minus strand). VCF-style: chr14-95104008-C-T. GRCh37 (hg19) VCF-style: chr14-95570345-C-T.
Other names: c.3388G>A, p.Glu1130Lys (NM_001195573.1, NM_001271282.3, NM_001291628.2 and 1 more transcripts); short protein forms E1130K.
Identifiers: ClinVar variation 543653 (VCV000543653.14), dbSNP rs1555369685, ClinGen allele CA390875645.

ClinVar aggregate classification (germline): Uncertain significance. Review status: criteria provided, multiple submitters, no conflicts (2 of 4 stars). 3 submissions from 3 submitters: Uncertain significance (3). Last evaluated 2026-05-21.

Conditions:
DICER1-related tumor predisposition. Also called: DICER1 syndrome; DICER1-related pleuropulmonary blastoma cancer predisposition syndrome. Identifiers: Orphanet 284343, MedGen C3839822, MONDO:0100216.
Hereditary cancer-predisposing syndrome. Also called: Neoplastic Syndromes, Hereditary; Hereditary Cancer Syndrome; Tumor predisposition; Hereditary neoplastic syndrome. Identifiers: Orphanet 140162, MedGen C0027672, MeSH D009386, MONDO:0015356.

Allele frequency attached by ClinVar (database versions not stated): gnomAD exomes below 0.00001.

Submissions (3):

Ambry Genetics
Classification: Uncertain significance for Hereditary cancer-predisposing syndrome. Last evaluated: 2026-05-21. Review status: criteria provided, single submitter. Criteria: Ambry Variant Classification Scheme 2023. Collection method: clinical testing. Allele origin: germline.
Comment: The p.E1130K variant (also known as c.3388G>A), located in coding exon 20 of the DICER1 gene, results from a G to A substitution at nucleotide position 3388. The glutamic acid at codon 1130 is replaced by lysine, an amino acid with similar properties. This amino acid position is conserved. In addition, the in silico prediction for this alteration is inconclusive. Based on the available evidence, the clinical significance of this variant remains unclear.

Dasa
Classification: Uncertain significance. Last evaluated: 2025-07-07. Review status: criteria provided, single submitter. Criteria: DASA Assertion Criteria. Collection method: clinical testing. Allele origin: germline.
Comment: NM_177438.3(DICER1):c.3388G>A (p.Glu1130Lys) is a missense variant that results in the substitution of glutamic acid with lysine. This variant is rare in population databases. Computational prediction algorithms are consistent with a benign effect. The currently available literature and clinical evidence are not sufficient to establish a definitive association between this variant and the reported condition. Therefore, this variant is classified as a variant of uncertain significance.

Labcorp Genetics (formerly Invitae), Labcorp
Classification: Uncertain significance for DICER1-related tumor predisposition. Last evaluated: 2021-05-26. Review status: criteria provided, single submitter. Criteria: Invitae Variant Classification Sherloc (09022015). Collection method: clinical testing. Allele origin: germline.
Comment: In summary, the available evidence is currently insufficient to determine the role of this variant in disease. Therefore, it has been classified as a Variant of Uncertain Significance. Algorithms developed to predict the effect of missense changes on protein structure and function (SIFT, PolyPhen-2, Align-GVGD) all suggest that this variant is likely to be tolerated, but these predictions have not been confirmed by published functional studies and their clinical significance is uncertain. This variant has not been reported in the literature in individuals with DICER1-related disease. This variant is not present in population databases (ExAC no frequency). This sequence change replaces glutamic acid with lysine at codon 1130 of the DICER1 protein (p.Glu1130Lys). The glutamic acid residue is moderately conserved and there is a small physicochemical difference between glutamic acid and lysine.